The following is an entry in ClinVar:

ClinVar aggregate classification (germline): Uncertain significance. Review status: criteria provided, multiple submitters, no conflicts (2 of 4 stars). 2 submissions from 2 submitters: Uncertain significance (2). Last evaluated 2025-09-01.

Conditions:
Hereditary cancer-predisposing syndrome. Also called: Tumor predisposition; Hereditary Cancer Syndrome; Hereditary neoplastic syndrome; Neoplastic Syndromes, Hereditary. Identifiers: Orphanet 140162, MedGen C0027672, MeSH D009386, MONDO:0015356.
Hereditary breast ovarian cancer syndrome. Also called: Hereditary breast and ovarian cancer syndrome; Breast and ovarian cancer; BRCA1- and BRCA2-Associated Hereditary Breast and Ovarian Cancer; Hereditary breast and ovarian cancer syndrome (HBOC); Hereditary breast and ovarian cancer; Hereditary breast and/or ovarian cancer syndrome. Identifiers: Orphanet 145, MedGen C0677776, MeSH D061325, MONDO:0003582. Disease mechanism: loss of function.

Submissions (2):

Color Diagnostics, LLC DBA Color Health
Classification: Uncertain significance for Hereditary cancer-predisposing syndrome. Last evaluated: 2025-09-01. Review status: criteria provided, single submitter. Criteria: ACMG Guidelines, 2015. Collection method: clinical testing. Allele origin: germline.
Comment: This variant is located in the 5' untranslated region of the BRCA2 gene. To our knowledge, functional studies have not been reported for this variant. This variant has not been reported in individuals affected with BRCA2-related disorders in the literature. This variant has not been identified in the general population by the Genome Aggregation Database (gnomAD). The available evidence is insufficient to determine the role of this variant in disease conclusively. Therefore, this variant is classified as a Variant of Uncertain Significance.

Labcorp Genetics (formerly Invitae), Labcorp
Classification: Uncertain significance for Hereditary breast ovarian cancer syndrome. Last evaluated: 2023-07-25. Review status: criteria provided, single submitter. Criteria: Invitae Variant Classification Sherloc (09022015). Collection method: clinical testing. Allele origin: germline.
Comment: This variant occurs in a non-coding region of the BRCA2 gene. It does not change the encoded amino acid sequence of the BRCA2 protein. This variant is not present in population databases (gnomAD no frequency). This variant has not been reported in the literature in individuals affected with BRCA2-related conditions. ClinVar contains an entry for this variant (Variation ID: 2091680). Experimental studies and prediction algorithms are not available or were not evaluated, and the functional significance of this variant is currently unknown. In summary, the available evidence is currently insufficient to determine the role of this variant in disease. Therefore, it has been classified as a Variant of Uncertain Significance.

NM_000059.4(BRCA2):c.-6G>C

Gene: BRCA2 (BRCA2 DNA repair associated; plus strand). Cytogenetic location: 13q13.1.
Variant type: single nucleotide variant.
Coding change: c.-6G>C on transcript NM_000059.4 (MANE Select); 6 bases upstream of the start codon, G replaced by C.
Molecular consequence: 5 prime UTR variant.
Genome position (GRCh38, 1-based): chr13:32,316,455, G>C. VCF-style: chr13-32316455-G-C. GRCh37 (hg19) VCF-style: chr13-32890592-G-C.
Other names: c.-6G>C (NM_001406719.1, NM_001406720.1, NM_001406721.1).
Identifiers: ClinVar variation 2091680 (VCV002091680.5), dbSNP rs1304649255, ClinGen allele CA2580086933.